The following is an entry in ClinVar:

ClinVar aggregate classification (germline): Uncertain significance (1 of 4 stars; one submission).

Conditions:
Werner syndrome (WRN). Identifiers: Orphanet 902, MedGen C0043119, MONDO:0010196, OMIM 277700.

Submission:

Labcorp Genetics (formerly Invitae), Labcorp
Classification: Uncertain significance for Werner syndrome. Last evaluated: 2023-05-08. Review status: criteria provided, single submitter. Criteria: Invitae Variant Classification Sherloc (09022015). Collection method: clinical testing. Allele origin: germline.
Comment: In summary, the available evidence is currently insufficient to determine the role of this variant in disease. Therefore, it has been classified as a Variant of Uncertain Significance. An algorithm developed to predict the effect of missense changes on protein structure and function (PolyPhen-2) suggests that this variant is likely to be disruptive. ClinVar contains an entry for this variant (Variation ID: 1035702). This variant has not been reported in the literature in individuals affected with WRN-related conditions. This variant is not present in population databases (gnomAD no frequency). This sequence change replaces phenylalanine, which is neutral and non-polar, with tyrosine, which is neutral and polar, at codon 1027 of the WRN protein (p.Phe1027Tyr).

NM_000553.6(WRN):c.3080T>A (p.Phe1027Tyr)

Gene: WRN (WRN RecQ like helicase; plus strand). Cytogenetic location: 8p12.
Variant type: single nucleotide variant.
Coding change: c.3080T>A on transcript NM_000553.6 (MANE Select); coding-DNA position 3080, T replaced by A.
Protein change: p.Phe1027Tyr; replaces phenylalanine 1027 with tyrosine.
Molecular consequence: missense variant.
Genome position (GRCh38, 1-based): chr8:31,141,542, T>A. VCF-style: chr8-31141542-T-A. GRCh37 (hg19) VCF-style: chr8-30999058-T-A.
Other names: short protein forms F1027Y.
Identifiers: ClinVar variation 1035702 (VCV001035702.5), dbSNP rs1802630504, ClinGen allele CA370922245.
Genomic context (GRCh38, chr8:31,141,542, plus strand): 5'-GCAAGGATCAAACAGAGAGTTGGTGGAAGGCTTTTTCCCGTCAGCTGATCACTGAGGGAT[T>A]CTTGGTAGAAGTTTCTCGGTATAACAAATTTATGAAGATTTGCGCCCTTACGAAAAAGGT-3'
Protein context (NP_000544.2, residues 1017-1037): AFSRQLITEG[Phe1027Tyr]LVEVSRYNKF